The following is an entry in ClinVar:

NM_014140.4(SMARCAL1):c.25C>G (p.Gln9Glu)

Gene: SMARCAL1 (SNF2 related chromatin remodeling annealing helicase 1; plus strand). Cytogenetic location: 2q35.
Variant type: single nucleotide variant.
Coding change: c.25C>G on transcript NM_014140.4 (MANE Select); coding-DNA position 25, C replaced by G.
Protein change: p.Gln9Glu; replaces glutamine 9 with glutamic acid.
Molecular consequence: missense variant.
Genome position (GRCh38, 1-based): chr2:216,414,729, C>G. VCF-style: chr2-216414729-C-G. GRCh37 (hg19) VCF-style: chr2-217279452-C-G.
Other names: c.25C>G, p.Gln9Glu (NM_001127207.2); short protein forms Q9E.
Identifiers: ClinVar variation 1980768 (VCV001980768.4), dbSNP rs2469610527, ClinGen allele CA350496209.

ClinVar aggregate classification (germline): Uncertain significance (1 of 4 stars; one submission).

Conditions:
Schimke immuno-osseous dysplasia (SIOD). Also called: Schimke Immunoosseous Dysplasia. Identifiers: Orphanet 1830, MedGen C0877024, MONDO:0009458, OMIM 242900.

Allele frequency attached by ClinVar (database versions not stated): gnomAD exomes below 0.00001.

Submission:

Labcorp Genetics (formerly Invitae), Labcorp
Classification: Uncertain significance for Schimke immuno-osseous dysplasia. Last evaluated: 2022-03-04. Review status: criteria provided, single submitter. Criteria: Invitae Variant Classification Sherloc (09022015). Collection method: clinical testing. Allele origin: germline.
Comment: In summary, the available evidence is currently insufficient to determine the role of this variant in disease. Therefore, it has been classified as a Variant of Uncertain Significance. This sequence change replaces glutamine, which is neutral and polar, with glutamic acid, which is acidic and polar, at codon 9 of the SMARCAL1 protein (p.Gln9Glu). This variant is not present in population databases (gnomAD no frequency). This variant has not been reported in the literature in individuals affected with SMARCAL1-related conditions. Algorithms developed to predict the effect of missense changes on protein structure and function (SIFT, PolyPhen-2, Align-GVGD) all suggest that this variant is likely to be tolerated.